The following is an entry in ClinVar:

NM_006379.5(SEMA3C):c.758G>A (p.Arg253Lys)

Gene: SEMA3C (semaphorin 3C; minus strand). Cytogenetic location: 7q21.11.
Variant type: single nucleotide variant.
Coding change: c.758G>A on transcript NM_006379.5 (MANE Select); coding-DNA position 758, G replaced by A.
Protein change: p.Arg253Lys; replaces arginine 253 with lysine.
Molecular consequence: missense variant.
Genome position (GRCh38, 1-based): chr7:80,804,149, C>T on the plus strand (G>A on the coding strand, the complement: SEMA3C is on the minus strand). VCF-style: chr7-80804149-C-T. GRCh37 (hg19) VCF-style: chr7-80433465-C-T.
Other names: c.812G>A, p.Arg271Lys (NM_001350120.2); c.584G>A, p.Arg195Lys (NM_001350121.2); short protein forms R253K, R271K, R195K.
Identifiers: ClinVar variation 4989441 (VCV004989441.1).
Genomic context (GRCh38, chr7:80,804,149, plus strand): 5'-ACAGCATTAATACTTACAGGACATATTCGAGCAATCATGGAATGAATCTGTTTCGTGCTC[C>T]TGTTATTGTCAGTCAGTTTTTCTTTGAAGAAGAAGTACACCTTAGCATCATTTGGATCAG-3'
Protein context (NP_006370.1, residues 243-263): FFKEKLTDNN[Arg253Lys]STKQIHSMIA

ClinVar aggregate classification (germline): Uncertain significance (1 of 4 stars; one submission).

Conditions:
SEMA3C-related disorder. Also called: SEMA3C-related condition.

gnomAD v4.1: 32 of 1,612,570 alleles (0.002%); highest among the groups gnomAD compares: African/African-American, 0.0027%; no homozygotes.

Submission:

PreventionGenetics, part of Exact Sciences
Classification: Uncertain significance for SEMA3C-related condition. Last evaluated: 2026-03-20. Review status: criteria provided, single submitter. Criteria: ACMG Guidelines, 2015. Collection method: clinical testing. Allele origin: germline.
Comment: The SEMA3C c.812G>A variant is predicted to result in the amino acid substitution p.Arg271Lys. To our knowledge, this variant has not been reported in the literature. This variant is reported in 0.0062% of alleles in individuals of African descent in gnomAD. At this time, the clinical significance of this variant is uncertain due to the absence of conclusive functional and genetic evidence.